The following is an entry in ClinVar:

ClinVar aggregate classification (germline): Uncertain significance. Review status: criteria provided, multiple submitters, no conflicts (2 of 4 stars). 2 submissions from 2 submitters: Uncertain significance (2). Last evaluated 2025-09-11.

Allele frequency attached by ClinVar (database versions not stated): gnomAD exomes 0.00001; ExAC 0.00002; TOPMed 0.00002; gnomAD 0.00003.
gnomAD v4.1: 24 of 1,587,614 alleles (0.0015%); highest among the groups gnomAD compares: Non-Finnish European, 0.0018%; no homozygotes.

Submissions (2):

Ambry Genetics
Classification: Uncertain significance. Last evaluated: 2025-09-11. Review status: criteria provided, single submitter. Criteria: Ambry Variant Classification Scheme 2023. Collection method: clinical testing. Allele origin: germline.

Labcorp Genetics (formerly Invitae), Labcorp
Classification: Uncertain significance. Last evaluated: 2024-12-16. Review status: criteria provided, single submitter. Criteria: Invitae Variant Classification Sherloc (09022015). Collection method: clinical testing. Allele origin: germline.
Comment: This sequence change replaces proline, which is neutral and non-polar, with alanine, which is neutral and non-polar, at codon 166 of the KANK2 protein (p.Pro166Ala). This variant is present in population databases (rs757829570, gnomAD 0.01%). This variant has not been reported in the literature in individuals affected with KANK2-related conditions. ClinVar contains an entry for this variant (Variation ID: 3004352). An algorithm developed to predict the effect of missense changes on protein structure and function (PolyPhen-2) suggests that this variant is likely to be tolerated. In summary, the available evidence is currently insufficient to determine the role of this variant in disease. Therefore, it has been classified as a Variant of Uncertain Significance.

NM_001136191.3(KANK2):c.496C>G (p.Pro166Ala)

Gene: KANK2 (KN motif and ankyrin repeat domains 2; minus strand). Cytogenetic location: 19p13.2.
Variant type: single nucleotide variant.
Coding change: c.496C>G on transcript NM_001136191.3 (MANE Select); coding-DNA position 496, C replaced by G.
Protein change: p.Pro166Ala; replaces proline 166 with alanine.
Molecular consequence: missense variant.
Genome position (GRCh38, 1-based): chr19:11,193,584, G>C on the plus strand (C>G on the coding strand, the complement: KANK2 is on the minus strand). VCF-style: chr19-11193584-G-C. GRCh37 (hg19) VCF-style: chr19-11304260-G-C.
Other names: c.496C>G (NM_015493.6); c.496C>G, p.Pro166Ala (NM_001329451.2, NM_001379548.1, NM_001379549.1 and 15 more transcripts); short protein forms P166A.
Identifiers: ClinVar variation 3004352 (VCV003004352.4), dbSNP rs757829570, ClinGen allele CA9206052.